The following is an entry in ClinVar:

ClinVar aggregate classification (germline): Conflicting classifications of pathogenicity. Review status: criteria provided, conflicting classifications (1 of 4 stars). 4 submissions from 4 submitters: Uncertain significance (2); Likely benign (2). Last evaluated 2025-12-25.

Conditions:
Inborn genetic diseases. Identifiers: MedGen C0950123, MeSH D030342.

Allele frequency attached by ClinVar (database versions not stated): ESP Exome Variant Server 0.00023; 1000 Genomes Project 0.00040; 1000 Genomes Project 30x 0.00047.
gnomAD v4.1: 104 of 1,613,940 alleles (0.0064%); highest among the groups gnomAD compares: African/African-American, 0.12%; no homozygotes.

Submissions (4):

Labcorp Genetics (formerly Invitae), Labcorp
Classification: Likely benign. Last evaluated: 2025-12-25. Review status: criteria provided, single submitter. Criteria: Invitae Variant Classification Sherloc (09022015). Collection method: clinical testing. Allele origin: germline.

Blueprint Genetics
Classification: Uncertain significance. Last evaluated: 2023-12-29. Review status: criteria provided, single submitter. Criteria: ACMG Guidelines, 2015. Collection method: clinical testing. Allele origin: germline.

Ambry Genetics
Classification: Likely benign for Inborn genetic diseases. Last evaluated: 2022-11-02. Review status: criteria provided, single submitter. Criteria: Ambry Variant Classification Scheme 2023. Collection method: clinical testing. Allele origin: germline.

Genetic Services Laboratory, University of Chicago
Classification: Uncertain significance. Last evaluated: 2020-06-01. Review status: criteria provided, single submitter. Criteria: ACMG Guidelines, 2015. Collection method: clinical testing. Allele origin: germline. Affected: no.
Comment: DNA sequence analysis of the CACNA1D gene demonstrated a sequence change, c.6401G>T, in exon 49 that results in an amino acid change, p.Arg2134Leu. This sequence change does not appear to have been previously described in patients with CACNA1D-related disorders and has been described in the gnomAD database with a low population frequency of 0.15% in the African subpopulation (dbSNP rs149416995). The p.Arg2134Leu change affects a moderately conserved amino acid residue located in a domain of the CACNA1D protein that is not known to be functional. The p.Arg2134Leu substitution appears to be benign using several in-silico pathogenicity prediction tools (SIFT, PolyPhen2, Align GVGD, REVEL). Due to these contrasting evidences and the lack of functional studies, the clinical significance of the p.Arg2134Leu change remains unknown at this time.

NM_001128840.3(CACNA1D):c.6341G>T (p.Arg2114Leu)

Gene: CACNA1D (calcium voltage-gated channel subunit alpha1 D; plus strand). Cytogenetic location: 3p21.1.
Variant type: single nucleotide variant.
Coding change: c.6341G>T on transcript NM_001128840.3 (MANE Select); coding-DNA position 6341, G replaced by T.
Protein change: p.Arg2114Leu; replaces arginine 2114 with leucine.
Molecular consequence: missense variant.
Genome position (GRCh38, 1-based): chr3:53,811,261, G>T. VCF-style: chr3-53811261-G-T. GRCh37 (hg19) VCF-style: chr3-53845288-G-T.
Other names: c.6401G>T (NM_000720.2); c.6401G>T, p.Arg2134Leu (NM_000720.4); c.6269G>T, p.Arg2090Leu (NM_001128839.3); short protein forms R2090L, R2114L, R2134L.
Identifiers: ClinVar variation 1337668 (VCV001337668.11), dbSNP rs149416995, ClinGen allele CA2455429.
Genomic context (GRCh38, chr3:53,811,261, plus strand): 5'-TCACCATCGACGAGATGGAGAGTGCAGCCAGCACCCTGCTTAATGGGAACGTGCGTCCCC[G>T]AGCCAACGGGGATGTGGGCCCCCTCTCACACCGGCAGGACTATGAGCTACAGGACTTTGG-3'
Protein context (NP_001122312.1, residues 2104-2124): STLLNGNVRP[Arg2114Leu]ANGDVGPLSH